The following is an entry in ClinVar:

NM_022370.4(ROBO3):c.2051G>A (p.Arg684Gln)

Gene: ROBO3 (roundabout guidance receptor 3; plus strand). Cytogenetic location: 11q24.2.
Variant type: single nucleotide variant.
Coding change: c.2051G>A on transcript NM_022370.4 (MANE Select); coding-DNA position 2051, G replaced by A.
Protein change: p.Arg684Gln; replaces arginine 684 with glutamine.
Molecular consequence: missense variant.
Genome position (GRCh38, 1-based): chr11:124,874,887, G>A. VCF-style: chr11-124874887-G-A. GRCh37 (hg19) VCF-style: chr11-124744783-G-A.
Other names: short protein forms R684Q.
Identifiers: ClinVar variation 2366591 (VCV002366591.3), dbSNP rs769968241, ClinGen allele CA6343673.

ClinVar aggregate classification (germline): Uncertain significance. Review status: criteria provided, multiple submitters, no conflicts (2 of 4 stars). 2 submissions from 2 submitters: Uncertain significance (2). Last evaluated 2024-12-18.

Conditions:
Inborn genetic diseases. Identifiers: MedGen C0950123, MeSH D030342.
ROBO3-related disorder. Also called: ROBO3-related condition.

Allele frequency attached by ClinVar (database versions not stated): gnomAD 0.00001; gnomAD exomes 0.00001; TOPMed 0.00001; ExAC 0.00003.
gnomAD v4.1: 9 of 1,602,688 alleles (0.00056%); highest among the groups gnomAD compares: East Asian, 0.0022%; no homozygotes.

Submissions (2):

PreventionGenetics, part of Exact Sciences
Classification: Uncertain significance for ROBO3-related condition. Last evaluated: 2024-12-18. Review status: criteria provided, single submitter. Criteria: ACMG Guidelines, 2015. Collection method: clinical testing. Allele origin: germline.
Comment: The ROBO3 c.2051G>A variant is predicted to result in the amino acid substitution p.Arg684Gln. To our knowledge, this variant has not been reported in the literature. This variant is reported in 0.0060% of alleles in individuals of East Asian descent in gnomAD. At this time, the clinical significance of this variant is uncertain due to the absence of conclusive functional and genetic evidence.

Ambry Genetics
Classification: Uncertain significance for Inborn genetic diseases. Last evaluated: 2021-07-20. Review status: criteria provided, single submitter. Criteria: Ambry Variant Classification Scheme 2023. Collection method: clinical testing. Allele origin: germline.